The following is an entry in ClinVar:

ClinVar aggregate classification (germline): Pathogenic. Review status: criteria provided, multiple submitters, no conflicts (2 of 4 stars). 2 submissions from 2 submitters: Pathogenic (2). Last evaluated 2026-04-30.

Conditions:
Familial cancer of breast. Also called: BREAST CANCER, FAMILIAL; Hereditary breast cancer; hereditary breast carcinoma. Identifiers: Orphanet 227535, MedGen C0346153, MONDO:0016419, OMIM 114480. Disease mechanism: loss of function.
Hereditary cancer-predisposing syndrome. Also called: Tumor predisposition; Neoplastic Syndromes, Hereditary; Hereditary Cancer Syndrome; Hereditary neoplastic syndrome. Identifiers: Orphanet 140162, MedGen C0027672, MeSH D009386, MONDO:0015356.

Submissions (2):

Ambry Genetics
Classification: Pathogenic for Hereditary cancer-predisposing syndrome. Last evaluated: 2026-04-30. Review status: criteria provided, single submitter. Criteria: Ambry Variant Classification Scheme 2023. Collection method: clinical testing. Allele origin: germline.
Comment: The p.L222* pathogenic mutation (also known as c.665T>A), located in coding exon 4 of the PALB2 gene, results from a T to A substitution at nucleotide position 665. This changes the amino acid from a leucine to a stop codon within coding exon 4. This variant is considered to be rare based on population cohorts in the Genome Aggregation Database (gnomAD). This alteration is expected to result in loss of function by premature protein truncation or nonsense-mediated mRNA decay. As such, this alteration is interpreted as a disease-causing mutation.

Labcorp Genetics (formerly Invitae), Labcorp
Classification: Pathogenic for Familial cancer of breast. Last evaluated: 2025-10-20. Review status: criteria provided, single submitter. Criteria: Invitae Variant Classification Sherloc (09022015). Collection method: clinical testing. Allele origin: germline.
Comment: This sequence change creates a premature translational stop signal (p.Leu222*) in the PALB2 gene. It is expected to result in an absent or disrupted protein product. Loss-of-function variants in PALB2 are known to be pathogenic (PMID: 17200668, 17200671, 17200672, 24136930, 25099575). This variant is not present in population databases (gnomAD no frequency). This variant has not been reported in the literature in individuals affected with PALB2-related conditions. ClinVar contains an entry for this variant (Variation ID: 1437019). For these reasons, this variant has been classified as Pathogenic.

Literature cited by the submitters: PubMed 17200668 (cited by Labcorp Genetics (formerly Invitae), Labcorp); PubMed 17200671 (cited by Labcorp Genetics (formerly Invitae), Labcorp); PubMed 17200672 (cited by Labcorp Genetics (formerly Invitae), Labcorp); PubMed 24136930 (cited by Labcorp Genetics (formerly Invitae), Labcorp); PubMed 25099575 (cited by Labcorp Genetics (formerly Invitae), Labcorp).

NM_024675.4(PALB2):c.665T>A (p.Leu222Ter)

Gene: PALB2 (partner and localizer of BRCA2; minus strand). Cytogenetic location: 16p12.2.
Variant type: single nucleotide variant.
Coding change: c.665T>A on transcript NM_024675.4 (MANE Select); coding-DNA position 665, T replaced by A.
Protein change: p.Leu222Ter; replaces leucine 222 with a stop codon.
Molecular consequence: nonsense.
Genome position (GRCh38, 1-based): chr16:23,635,881, A>T on the plus strand (T>A on the coding strand, the complement: PALB2 is on the minus strand). VCF-style: chr16-23635881-A-T. GRCh37 (hg19) VCF-style: chr16-23647202-A-T.
Other names: c.665T>A (NM_024675.3); short protein forms L222*.
Identifiers: ClinVar variation 1437019 (VCV001437019.8), dbSNP rs2142437926, ClinGen allele CA395136454.
Genomic context (GRCh38, chr16:23,635,881, plus strand): 5'-AAATTAGGTCTTCTTAGGAATGTATCAACACCTTTTTCTGGTTGGGCAGTTGGTGGAATT[A>T]ATACACTGTCTTCATTAATTTCTGTAACTGGTTCTGGAGAATCTGGAAGTTCAGATTTAA-3'